The following is an entry in ClinVar:

NM_178857.6(RP1L1):c.4444G>A (p.Gly1482Arg)

Gene: RP1L1 (RP1 like 1). Cytogenetic location: 8p23.1.
Variant type: single nucleotide variant.
Coding change: c.4444G>A on transcript NM_178857.6 (MANE Select); coding-DNA position 4444, G replaced by A.
Protein change: p.Gly1482Arg; replaces glycine 1482 with arginine.
Molecular consequence: missense variant.
Genome position (GRCh38, 1-based): chr8:10,609,654, C>T on the plus strand (G>A on the coding strand, the complement: RP1L1 is on the minus strand). VCF-style: chr8-10609654-C-T. GRCh37 (hg19) VCF-style: chr8-10467164-C-T.
Other names: short protein forms G1482R.
Identifiers: ClinVar variation 361280 (VCV000361280.27), dbSNP rs190000469, ClinGen allele CA4624023.

ClinVar aggregate classification (germline): Benign/Likely benign. Review status: criteria provided, multiple submitters, no conflicts (2 of 4 stars). 7 submissions from 7 submitters: Benign (1); Likely benign (3). 3 of the submissions do not count toward it. Last evaluated 2026-01-01.

Conditions:
Inborn genetic diseases. Identifiers: MedGen C0950123, MeSH D030342.
Occult macular dystrophy (OCMD). Also called: OMD; OCCULT MACULAR DYSTROPHY, SUSCEPTIBILITY TO. Identifiers: Orphanet 247834, MedGen C3150833, MONDO:0013316, OMIM 613587, HP:0030636.
RP1L1-related disorder. Also called: RP1L1-related condition.

Allele frequency attached by ClinVar (database versions not stated): 1000 Genomes Project 0.00100; 1000 Genomes Project 30x 0.00125; gnomAD exomes 0.00158 and 0.00234; ExAC 0.00159; ESP Exome Variant Server 0.00163; gnomAD 0.00193 and 0.00195; TOPMed 0.00193.
gnomAD v4.1: 3,721 of 1,610,440 alleles (0.23%); highest among the groups gnomAD compares: Non-Finnish European, 0.28%; 5 homozygotes.

Submissions (7):

CeGaT Center for Human Genetics Tuebingen
Classification: Likely benign. Last evaluated: 2026-01-01. Review status: criteria provided, single submitter. Criteria: CeGaT Center For Human Genetics Tuebingen Variant Classification Criteria Version 2. Collection method: clinical testing. Allele origin: germline. Affected: yes. Observed: 2 variant alleles.
Comment: RP1L1: BP4

Blueprint Genetics
Classification: Likely benign. Last evaluated: 2024-10-17. Review status: criteria provided, single submitter. Criteria: ACMG Guidelines, 2015. Collection method: clinical testing. Allele origin: germline.

Ambry Genetics
Classification: Likely benign for Inborn genetic diseases. Last evaluated: 2021-09-01. Review status: criteria provided, single submitter. Criteria: Ambry Variant Classification Scheme 2023. Collection method: clinical testing. Allele origin: germline.

Illumina Laboratory Services, Illumina
Classification: Benign for Occult macular dystrophy. Last evaluated: 2018-01-13. Review status: criteria provided, single submitter. Criteria: ICSL Variant Classification Criteria 13 December 2019. Collection method: clinical testing. Allele origin: germline.
Comment: This variant was observed in the ICSL laboratory as part of a predisposition screen in an ostensibly healthy population. It had not been previously curated by ICSL or reported in the Human Gene Mutation Database (HGMD: prior to June 1st, 2018), and was therefore a candidate for classification through an automated scoring system. Utilizing variant allele frequency, disease prevalence and penetrance estimates, and inheritance mode, an automated score was calculated to assess if this variant is too frequent to cause the disease. Based on the score and internal cut-off values, a variant classified as benign is not then subjected to further curation. The score for this variant resulted in a classification of benign for this disease.

PreventionGenetics, part of Exact Sciences
Classification: Likely benign for RP1L1-related condition. Last evaluated: 2019-11-15. Review status: no assertion criteria provided. Collection method: clinical testing. Allele origin: germline. Not counted in ClinVar's aggregate classification.
Comment: This variant is classified as likely benign based on ACMG/AMP sequence variant interpretation guidelines (Richards et al. 2015 PMID: 25741868, with internal and published modifications).

Clinical Genetics DNA and cytogenetics Diagnostics Lab, Erasmus MC, Erasmus Medical Center
Classification: Likely benign. Review status: no assertion criteria provided. Collection method: clinical testing. Allele origin: germline. Affected: yes. Study: VKGL Data-share Consensus. Not counted in ClinVar's aggregate classification.

Clinical Genetics, Academic Medical Center
Classification: Likely benign. Review status: no assertion criteria provided. Collection method: clinical testing. Allele origin: germline. Affected: yes. Study: VKGL Data-share Consensus. Not counted in ClinVar's aggregate classification.